The following is an entry in ClinVar:

NM_002439.5(MSH3):c.430T>C (p.Ser144Pro)

Gene: MSH3 (mutS homolog 3; plus strand). Cytogenetic location: 5q14.1.
Variant type: single nucleotide variant.
Coding change: c.430T>C on transcript NM_002439.5 (MANE Select); coding-DNA position 430, T replaced by C.
Protein change: p.Ser144Pro; replaces serine 144 with proline.
Molecular consequence: missense variant.
Genome position (GRCh38, 1-based): chr5:80,665,214, T>C. VCF-style: chr5-80665214-T-C. GRCh37 (hg19) VCF-style: chr5-79961033-T-C.
Other names: short protein forms S144P.
Identifiers: ClinVar variation 2844932 (VCV002844932.3), dbSNP rs748721462, ClinGen allele CA3327603.

ClinVar aggregate classification (germline): Uncertain significance (1 of 4 stars; one submission).

Allele frequency attached by ClinVar (database versions not stated): gnomAD exomes below 0.00001; ExAC 0.00001.
gnomAD v4.1: 2 of 1,614,176 alleles (0.00012%); highest among the groups gnomAD compares: South Asian, 0.0011%; no homozygotes.

Submission:

Labcorp Genetics (formerly Invitae), Labcorp
Classification: Uncertain significance. Last evaluated: 2023-03-11. Review status: criteria provided, single submitter. Criteria: Invitae Variant Classification Sherloc (09022015). Collection method: clinical testing. Allele origin: germline.
Comment: In summary, the available evidence is currently insufficient to determine the role of this variant in disease. Therefore, it has been classified as a Variant of Uncertain Significance. An algorithm developed to predict the effect of missense changes on protein structure and function (PolyPhen-2) suggests that this variant is likely to be disruptive. This variant has not been reported in the literature in individuals affected with MSH3-related conditions. This variant is present in population databases (rs748721462, gnomAD 0.0009%). This sequence change replaces serine, which is neutral and polar, with proline, which is neutral and non-polar, at codon 144 of the MSH3 protein (p.Ser144Pro).